The following is an entry in ClinVar:

NM_000245.4(MET):c.248A>C (p.Glu83Ala)

Gene: MET (MET proto-oncogene, receptor tyrosine kinase; plus strand). Cytogenetic location: 7q31.2.
Variant type: single nucleotide variant.
Coding change: c.248A>C on transcript NM_000245.4 (MANE Select); coding-DNA position 248, A replaced by C.
Protein change: p.Glu83Ala; replaces glutamic acid 83 with alanine.
Molecular consequence: missense variant. On other transcripts: intron variant (1).
Genome position (GRCh38, 1-based): chr7:116,699,332, A>C. VCF-style: chr7-116699332-A-C. GRCh37 (hg19) VCF-style: chr7-116339386-A-C.
Other names: c.248A>C, p.Glu83Ala (NM_001127500.3, NM_001324401.3); c.-91+26755A>C (NM_001324402.2); short protein forms E83A.
Identifiers: ClinVar variation 1492021 (VCV001492021.6), dbSNP rs2116583864, ClinGen allele CA368968658.

ClinVar aggregate classification (germline): Uncertain significance (1 of 4 stars; one submission).

Conditions:
Renal cell carcinoma. Identifiers: Orphanet 217071, MedGen C0007134, MeSH D002292, MONDO:0005086, HP:0005584.

Submission:

Labcorp Genetics (formerly Invitae), Labcorp
Classification: Uncertain significance for Renal cell carcinoma. Last evaluated: 2022-06-18. Review status: criteria provided, single submitter. Criteria: Invitae Variant Classification Sherloc (09022015). Collection method: clinical testing. Allele origin: germline.
Comment: Algorithms developed to predict the effect of missense changes on protein structure and function are either unavailable or do not agree on the potential impact of this missense change (SIFT: "Tolerated"; PolyPhen-2: "Possibly Damaging"; Align-GVGD: "Class C0"). In summary, the available evidence is currently insufficient to determine the role of this variant in disease. Therefore, it has been classified as a Variant of Uncertain Significance. This sequence change replaces glutamic acid, which is acidic and polar, with alanine, which is neutral and non-polar, at codon 83 of the MET protein (p.Glu83Ala). This variant is not present in population databases (gnomAD no frequency). This variant has not been reported in the literature in individuals affected with MET-related conditions.